The following is an entry in ClinVar:

ClinVar aggregate classification (germline): Benign (1 of 4 stars; one submission).

Conditions:
Melanoma-pancreatic cancer syndrome. Identifiers: Orphanet 404560, MedGen C1838547, MONDO:0011713, OMIM 606719. Disease mechanism: loss of function.

gnomAD v4.1: 1 of 1,538,094 alleles (0.000065%); highest among the groups gnomAD compares: African/African-American, 0.0014%; no homozygotes.

Submission:

Myriad Genetics, Inc.
Classification: Benign for Melanoma-pancreatic cancer syndrome. Last evaluated: 2025-08-15. Review status: criteria provided, single submitter. Criteria: Myriad Autosomal Dominant, Autosomal Recessive and X-Linked Classification Criteria (2023). Collection method: clinical testing. Allele origin: unknown.
Comment: This variant is considered benign. This variant is intronic and is not expected to impact mRNA splicing.

NM_000077.5(CDKN2A):c.458-101G>A

Gene: CDKN2A (cyclin dependent kinase inhibitor 2A; minus strand). Cytogenetic location: 9p21.3.
Variant type: single nucleotide variant.
Coding change: c.458-101G>A on transcript NM_000077.5 (MANE Select); 101 bases into the intron before coding-DNA position 458, G replaced by A.
Molecular consequence: intron variant.
Genome position (GRCh38, 1-based): chr9:21,968,343, C>T on the plus strand (G>A on the coding strand, the complement: CDKN2A is on the minus strand). VCF-style: chr9-21968343-C-T. GRCh37 (hg19) VCF-style: chr9-21968342-C-T.
Other names: c.305-101G>A (NM_001363763.2); c.*102-101G>A (NM_058195.4); c.*151-101G>A (NM_001195132.2); c.*381-101G>A (NM_058197.5).
Identifiers: ClinVar variation 4294139 (VCV004294139.1).